The following is an entry in ClinVar:

ClinVar aggregate classification (germline): Likely benign (1 of 4 stars; one submission).

gnomAD v4.1: 2 of 1,614,222 alleles (0.00012%); highest among the groups gnomAD compares: African/African-American, 0.0013%; no homozygotes.

Submission:

GeneDx
Classification: Likely benign. Last evaluated: 2016-10-21. Review status: criteria provided, single submitter. Criteria: GeneDx Variant Classification (06012015). Collection method: clinical testing. Allele origin: germline. Affected: yes.
Comment: This variant is considered likely benign or benign based on one or more of the following criteria: it is a conservative change, it occurs at a poorly conserved position in the protein, it is predicted to be benign by multiple in silico algorithms, and/or has population frequency not consistent with disease.

NM_182961.4(SYNE1):c.8763G>A (p.Thr2921=)

Genes: SYNE1 (spectrin repeat containing nuclear envelope protein 1; minus strand), SYNE1-AS1 (SYNE1 antisense RNA 1; plus strand). Cytogenetic location: 6q25.2.
Variant type: single nucleotide variant.
Coding change: c.8763G>A on transcript NM_182961.4 (MANE Select); coding-DNA position 8763, G replaced by A.
Protein change: p.Thr2921=; no amino-acid change (threonine 2921 retained).
Molecular consequence: synonymous variant. On other transcripts: non-coding transcript variant (1).
Genome position (GRCh38, 1-based): chr6:152,381,252, C>T on the plus strand (G>A on the coding strand, the complement: SYNE1 is on the minus strand). VCF-style: chr6-152381252-C-T. GRCh37 (hg19) VCF-style: chr6-152702387-C-T.
Other names: c.8784G>A, p.Thr2928= (NM_033071.5).
Identifiers: ClinVar variation 389839 (VCV000389839.1), dbSNP rs377480628, ClinGen allele CA16604899.